The following is an entry in ClinVar:

NM_001349.4(DARS1):c.505-18_505-6del

Gene: DARS1 (aspartyl-tRNA synthetase 1; minus strand). Cytogenetic location: 2q21.3.
Variant type: Deletion.
Coding change: c.505-18_505-6del on transcript NM_001349.4 (MANE Select); 18 bases into the intron before coding-DNA position 505 through 6 bases into the intron before coding-DNA position 505, 13 bases deleted (CTTTTTTTTTTTT).
Molecular consequence: intron variant.
Genome position (GRCh38, 1-based): chr2:135,932,848-135,932,860, AAAAAAAAAAAAG deleted on the plus strand (CTTTTTTTTTTTT on the coding strand, the reverse complement: DARS1 is on the minus strand); deleting any 13 consecutive bases within chr2:135,932,848-135,932,864 gives the same sequence; the c. name uses the placement nearest the transcript's 3' end. VCF-style (leftmost placement, unchanged base first): chr2-135932847-AAAAAAAAAAAAAG-A. GRCh37 (hg19) VCF-style: chr2-136690417-AAAAAAAAAAAAAG-A.
Other names: NC_000002.11:g.136690422_136690434del; p.?; c.505-22_505-10del (NM_001349.4); c.205-18_205-6del (NM_001293312.1).
Identifiers: ClinVar variation 1682559 (VCV001682559.13), dbSNP rs781360476, ClinGen allele CA1889776.

ClinVar aggregate classification (germline): Likely benign. Review status: criteria provided, multiple submitters, no conflicts (2 of 4 stars). 4 submissions from 4 submitters: Likely benign (3). 1 of the submissions does not count toward it. Last evaluated 2025-11-13.

Conditions:
DARS1-related disorder. Also called: DARS1-related condition.

Submissions (5):

Labcorp Genetics (formerly Invitae), Labcorp
Classification: Likely benign. Last evaluated: 2025-11-13. Review status: criteria provided, single submitter. Criteria: Invitae Variant Classification Sherloc (09022015). Collection method: clinical testing. Allele origin: germline.

Mayo Clinic Laboratories, Mayo Clinic
Classification: Likely benign. Last evaluated: 2025-09-05. Review status: criteria provided, single submitter. Criteria: ACMG Guidelines, 2015. Collection method: clinical testing. Allele origin: germline. Observed: 1 variant allele.
Comment: BP4, BP6

Blueprint Genetics
Classification: Likely benign. Last evaluated: 2024-09-20. Review status: criteria provided, single submitter. Criteria: ACMG Guidelines, 2015. Collection method: clinical testing. Allele origin: germline.

PreventionGenetics, part of Exact Sciences
Classification: Likely benign for DARS1-related condition. Last evaluated: 2019-07-16. Review status: no assertion criteria provided. Collection method: clinical testing. Allele origin: germline. Not counted in ClinVar's aggregate classification.
Comment: This variant is classified as likely benign based on ACMG/AMP sequence variant interpretation guidelines (Richards et al. 2015 PMID: 25741868, with internal and published modifications).

Dr. Peter K. Rogan Lab, Western University
No classification provided (evidence only). Condition: Familial cancer of breast. Review status: no classification provided. Collection method: in vitro. Allele origin: not applicable. Functional consequence: skipped exon. Not counted in ClinVar's aggregate classification.